The following is an entry in ClinVar:

ClinVar aggregate classification (germline): Pathogenic (1 of 4 stars; one submission).

Conditions:
Ataxia-telangiectasia syndrome (AT). Also called: Ataxia-telangiectasia, complementation group D; AT, COMPLEMENTATION GROUP C; ATAXIA-TELANGIECTASIA, COMPLEMENTATION GROUP A; ATAXIA-TELANGIECTASIA, FRESNO VARIANT; Ataxia-telangiectasia; Ataxia-telangiectasia, complementation group E. Identifiers: Orphanet 100, MedGen C0004135, MONDO:0008840, OMIM 208900.

Submission:

Labcorp Genetics (formerly Invitae), Labcorp
Classification: Pathogenic for Ataxia-telangiectasia syndrome. Last evaluated: 2024-02-15. Review status: criteria provided, single submitter. Criteria: Invitae Variant Classification Sherloc (09022015). Collection method: clinical testing. Allele origin: germline.
Comment: This sequence change creates a premature translational stop signal (p.Trp2205Valfs*12) in the ATM gene. It is expected to result in an absent or disrupted protein product. Loss-of-function variants in ATM are known to be pathogenic (PMID: 23807571, 25614872). This variant is not present in population databases (gnomAD no frequency). This variant has not been reported in the literature in individuals affected with ATM-related conditions. For these reasons, this variant has been classified as Pathogenic.

Literature cited by the submitters: PubMed 23807571; PubMed 25614872.

NM_000051.4(ATM):c.6611dup (p.Trp2205fs)

Genes: ATM (ATM serine/threonine kinase; plus strand), C11orf65 (chromosome 11 open reading frame 65; minus strand). Cytogenetic location: 11q22.3.
Variant type: Duplication.
Coding change: c.6611dup on transcript NM_000051.4 (MANE Select); coding-DNA position 6611, one base duplicated (A; older notation c.6611dupA).
Protein change: p.Trp2205fs; shifts the reading frame from tryptophan 2205.
Molecular consequence: frameshift variant. On other transcripts: intron variant (2).
Genome position (GRCh38, 1-based): chr11:108,325,348, A duplicated; the last of 2 consecutive A bases (chr11:108,325,347-108,325,348); duplicating either gives the same sequence. VCF-style (leftmost placement, unchanged base first): chr11-108325346-T-TA. GRCh37 (hg19) VCF-style: chr11-108196073-T-TA.
Other names: c.6611dup, p.Trp2205fs (NM_001351834.2); c.641-16276dup (NM_001330368.2); c.*38+9873dup (NM_001351110.2); short protein forms W2205fs.
Identifiers: ClinVar variation 3641036 (VCV003641036.2).
Genomic context (GRCh38, chr11:108,325,346, plus strand): 5'-TGAACTCTATGTCGTGGCATTCAGATCAGTCACACATAGACAACTCTCTGAAGTATATAT[T>TA]AAGTGGCAGAAACACTCCCAGCTTCTCAAGGACAGTGATTTTAGTTTTCAGGAGCCTATC-3'